The following is an entry in ClinVar:

ClinVar aggregate classification (germline): Likely benign. Review status: criteria provided, multiple submitters, no conflicts (2 of 4 stars). 2 submissions from 2 submitters: Likely benign (2). Last evaluated 2025-05-21.

Conditions:
Neonatal-onset encephalopathy with rigidity and seizures. Also called: Lethal neonatal spasticity-epileptic encephalopathy syndrome. Identifiers: Orphanet 435845, MedGen C3281029, MONDO:0013784, OMIM 614498.

Allele frequency attached by ClinVar (database versions not stated): gnomAD 0.00002 and 0.00003; gnomAD exomes 0.00002 and 0.00003; TOPMed 0.00003; ExAC 0.00016.
gnomAD v4.1: 38 of 1,586,614 alleles (0.0024%); highest among the groups gnomAD compares: Admixed American, 0.0053%; no homozygotes.

Submissions (2):

Labcorp Genetics (formerly Invitae), Labcorp
Classification: Likely benign for Neonatal-onset encephalopathy with rigidity and seizures. Last evaluated: 2025-05-21. Review status: criteria provided, single submitter. Criteria: Invitae Variant Classification Sherloc (09022015). Collection method: clinical testing. Allele origin: germline.

CeGaT Center for Human Genetics Tuebingen
Classification: Likely benign. Last evaluated: 2025-01-01. Review status: criteria provided, single submitter. Criteria: CeGaT Center For Human Genetics Tuebingen Variant Classification Criteria Version 2. Collection method: clinical testing. Allele origin: germline. Affected: yes. Observed: 1 variant allele.
Comment: BRAT1: BP4, BP7

NM_152743.4(BRAT1):c.1557C>T (p.Ser519=)

Gene: BRAT1 (BRCA1 associated ATM activator 1; minus strand). Cytogenetic location: 7p22.3.
Variant type: single nucleotide variant.
Coding change: c.1557C>T on transcript NM_152743.4 (MANE Select); coding-DNA position 1557, C replaced by T.
Protein change: p.Ser519=; no amino-acid change (serine 519 retained).
Molecular consequence: synonymous variant. On other transcripts: non-coding transcript variant (1).
Genome position (GRCh38, 1-based): chr7:2,539,584, G>A on the plus strand (C>T on the coding strand, the complement: BRAT1 is on the minus strand). VCF-style: chr7-2539584-G-A. GRCh37 (hg19) VCF-style: chr7-2579218-G-A.
Other names: c.1557C>T, p.Ser519= (NM_001350626.2); c.1032C>T, p.Ser344= (NM_001350627.2).
Identifiers: ClinVar variation 1548831 (VCV001548831.21), dbSNP rs771294370, ClinGen allele CA4127693.
Genomic context (GRCh38, chr7:2,539,584, plus strand): 5'-CTCCACCTGCCAGCACTCACCTCCCCAGTGCCTGCTCAGCTGGGTCAGGAACTCGAGGGC[G>A]GAGTCCCTCACCTCCCAGCAGGGGTGGCACAGGCGTTTCTGCAGCACAGGGAACAGCTCT-3'
Protein context (NP_689956.2, residues 509-529): LCHPCWEVRD[Ser519=]ALEFLTQLSR